The following is an entry in ClinVar:

NM_001365999.1(SZT2):c.8593C>A (p.Pro2865Thr)

Gene: SZT2 (SZT2 subunit of KICSTOR complex; plus strand). Cytogenetic location: 1p34.2.
Variant type: single nucleotide variant.
Coding change: c.8593C>A on transcript NM_001365999.1 (MANE Select); coding-DNA position 8593, C replaced by A.
Protein change: p.Pro2865Thr; replaces proline 2865 with threonine.
Molecular consequence: missense variant.
Genome position (GRCh38, 1-based): chr1:43,443,445, C>A. VCF-style: chr1-43443445-C-A. GRCh37 (hg19) VCF-style: chr1-43909116-C-A.
Other names: c.8422C>A, p.Pro2808Thr (NM_015284.4); short protein forms P2808T, P2865T.
Identifiers: ClinVar variation 4695937 (VCV004695937.1).

ClinVar aggregate classification (germline): Uncertain significance (1 of 4 stars; one submission).

gnomAD v4.1: 11 of 1,614,086 alleles (0.00068%); highest among the groups gnomAD compares: South Asian, 0.012%; no homozygotes.

Submission:

Labcorp Genetics (formerly Invitae), Labcorp
Classification: Uncertain significance. Last evaluated: 2025-08-04. Review status: criteria provided, single submitter. Criteria: Invitae Variant Classification Sherloc (09022015). Collection method: clinical testing. Allele origin: germline.
Comment: This sequence change replaces proline, which is neutral and non-polar, with threonine, which is neutral and polar, at codon 2808 of the SZT2 protein (p.Pro2808Thr). This variant is present in population databases (rs146439294, gnomAD 0.01%). This variant has not been reported in the literature in individuals affected with SZT2-related conditions. Invitae Evidence Modeling of protein sequence and biophysical properties (such as structural, functional, and spatial information, amino acid conservation, physicochemical variation, residue mobility, and thermodynamic stability) indicates that this missense variant is not expected to disrupt SZT2 protein function with a negative predictive value of 80%. In summary, the available evidence is currently insufficient to determine the role of this variant in disease. Therefore, it has been classified as a Variant of Uncertain Significance.